The following is an entry in ClinVar:

NM_001042413.2(GLIS3):c.2086A>C (p.Thr696Pro)

Genes: GLIS3 (GLIS family zinc finger 3; minus strand), GLIS3-AS1 (GLIS3 antisense RNA 1; plus strand). Cytogenetic location: 9p24.2.
Variant type: single nucleotide variant.
Coding change: c.2086A>C on transcript NM_001042413.2 (MANE Select); coding-DNA position 2086, A replaced by C.
Protein change: p.Thr696Pro; replaces threonine 696 with proline.
Molecular consequence: missense variant. On other transcripts: non-coding transcript variant (1).
Genome position (GRCh38, 1-based): chr9:3,898,733, T>G on the plus strand (A>C on the coding strand, the complement: GLIS3 is on the minus strand). VCF-style: chr9-3898733-T-G. GRCh37 (hg19) VCF-style: chr9-3898733-T-G.
Other names: c.1621A>C, p.Thr541Pro (NM_152629.4); short protein forms T696P, T541P.
Identifiers: ClinVar variation 1944367 (VCV001944367.5), dbSNP rs1823057594, ClinGen allele CA372805021.
Genomic context (GRCh38, chr9:3,898,733, plus strand): 5'-TGCCTTTGCTGTCTTTACCTGAATAGAGGTCAGGCCCGGGTCCAGGGGAGCGTCCCACGG[T>G]CCCTTCAGCAGCAGCATCTCTAGGGGAAGTGGCCGGCTGCAGGGACTGCACGGTGAGGCA-3'
Protein context (NP_001035878.1, residues 686-706): TSPRDAAAEG[Thr696Pro]VGRSPGPGPD

ClinVar aggregate classification (germline): Uncertain significance (1 of 4 stars; one submission).

gnomAD v4.1: 1 of 1,614,020 alleles (0.000062%); no homozygotes.

Submission:

Labcorp Genetics (formerly Invitae), Labcorp
Classification: Uncertain significance. Last evaluated: 2025-06-12. Review status: criteria provided, single submitter. Criteria: Invitae Variant Classification Sherloc (09022015). Collection method: clinical testing. Allele origin: germline.
Comment: This sequence change replaces threonine, which is neutral and polar, with proline, which is neutral and non-polar, at codon 541 of the GLIS3 protein (p.Thr541Pro). This variant is not present in population databases (gnomAD no frequency). This variant has not been reported in the literature in individuals affected with GLIS3-related conditions. ClinVar contains an entry for this variant (Variation ID: 1944367). An algorithm developed to predict the effect of missense changes on protein structure and function (PolyPhen-2) suggests that this variant is likely to be tolerated. In summary, the available evidence is currently insufficient to determine the role of this variant in disease. Therefore, it has been classified as a Variant of Uncertain Significance.